The following is an entry in ClinVar:

ClinVar aggregate classification (germline): Pathogenic. Review status: criteria provided, multiple submitters, no conflicts (2 of 4 stars). 2 submissions from 2 submitters: Pathogenic (2). Last evaluated 2026-03-03.

Conditions:
Microcephaly 5, primary, autosomal recessive (MCPH5). Also called: ASPM Primary Microcephaly. Identifiers: Orphanet 2512, MedGen C1837501, MONDO:0012106, OMIM 608716.

Submissions (2):

GeneDx
Classification: Pathogenic. Last evaluated: 2026-03-03. Review status: criteria provided, single submitter. Criteria: GeneDx Variant Classification Process June 2021. Collection method: clinical testing. Allele origin: germline.
Comment: Observed with a second ASPM variant in patients with clinical features consistent with an ASPM-related disorder referred for genetic testing at GeneDx and in published literature (PMID: 23611254); Frameshift variant predicted to result in protein truncation or nonsense mediated decay in a gene for which loss of function is a known mechanism of disease; Not observed at significant frequency in large population cohorts (gnomAD); This variant is associated with the following publications: (PMID: 23611254)

Genetic Services Laboratory, University of Chicago
Classification: Pathogenic for Microcephaly 5, primary, autosomal recessive. Last evaluated: 2013-02-08. Review status: criteria provided, single submitter. Criteria: ACMG Guidelines, 2007. Collection method: clinical testing. Allele origin: germline. Inheritance: Autosomal recessive inheritance. Affected: yes.

NM_018136.5(ASPM):c.2968del (p.Asp990fs)

Gene: ASPM (assembly factor for spindle microtubules; minus strand). Cytogenetic location: 1q31.3.
Variant type: Deletion.
Coding change: c.2968del on transcript NM_018136.5 (MANE Select); coding-DNA position 2968, one base deleted (G; older notation c.2968delG).
Protein change: p.Asp990fs; shifts the reading frame from aspartic acid 990.
Molecular consequence: frameshift variant.
Genome position (GRCh38, 1-based): chr1:197,125,160, C deleted on the plus strand (G on the coding strand, the reverse complement: ASPM is on the minus strand); the first of 3 consecutive C bases (chr1:197,125,160-197,125,162); deleting any one gives the same sequence. VCF-style (leftmost placement, unchanged base first): chr1-197125159-TC-T. GRCh37 (hg19) VCF-style: chr1-197094289-TC-T.
Other names: c.2968del, p.Asp990fs (NM_001206846.2); short protein forms D990fs.
Identifiers: ClinVar variation 157799 (VCV000157799.8), dbSNP rs587783228, ClinGen allele CA271021.